The following is an entry in ClinVar:

NM_014855.3(AP5Z1):c.1117TTC[1] (p.Phe374del)

Gene: AP5Z1 (adaptor related protein complex 5 subunit zeta 1; plus strand). Cytogenetic location: 7p22.1.
Variant type: Microsatellite.
Coding change: c.1117TTC[1] on transcript NM_014855.3 (MANE Select); one copy of the 3-base unit TTC starting at c.1117; the reference has two copies in a row; one copy, 3 bases deleted.
Protein change: p.Phe374del; deletes phenylalanine 374.
Molecular consequence: inframe deletion. On other transcripts: non-coding transcript variant (1).
Genome position (GRCh38, 1-based): chr7:4,785,672-4,785,674, TTC deleted; deleting any 3 consecutive bases within chr7:4,785,668-4,785,674 gives the same sequence; the position shown is the placement nearest the transcript's 3' end. VCF-style (leftmost placement, unchanged base first): chr7-4785667-ACTT-A. GRCh37 (hg19) VCF-style: chr7-4825298-ACTT-A.
Other names: c.649TTC[1], p.Phe218del (NM_001364858.1); short protein forms F218del, F374del.
Identifiers: ClinVar variation 2149107 (VCV002149107.4), dbSNP rs769644722, ClinGen allele CA4137608.

ClinVar aggregate classification (germline): Uncertain significance (1 of 4 stars; one submission).

Conditions:
Hereditary spastic paraplegia 48. Also called: Spastic paraplegia 48; SPASTIC PARAPLEGIA 48, AUTOSOMAL RECESSIVE. Identifiers: Orphanet 306511, MedGen C3150901, MONDO:0013342, OMIM 613647.

Submission:

Labcorp Genetics (formerly Invitae), Labcorp
Classification: Uncertain significance for Hereditary spastic paraplegia 48. Last evaluated: 2025-06-09. Review status: criteria provided, single submitter. Criteria: Invitae Variant Classification Sherloc (09022015). Collection method: clinical testing. Allele origin: germline.
Comment: This variant, c.1120_1122del, results in the deletion of 1 amino acid(s) of the AP5Z1 protein (p.Phe374del), but otherwise preserves the integrity of the reading frame. This variant is present in population databases (rs769644722, gnomAD 0.02%). This variant has not been reported in the literature in individuals affected with AP5Z1-related conditions. Experimental studies and prediction algorithms are not available or were not evaluated, and the functional significance of this variant is currently unknown. In summary, the available evidence is currently insufficient to determine the role of this variant in disease. Therefore, it has been classified as a Variant of Uncertain Significance.